The following is an entry in ClinVar:

ClinVar aggregate classification (germline): Uncertain significance. Review status: criteria provided, multiple submitters, no conflicts (2 of 4 stars). 2 submissions from 2 submitters: Uncertain significance (2). Last evaluated 2025-09-17.

Conditions:
Cardiovascular phenotype. Identifiers: MedGen CN230736.
Myofibrillar myopathy 5. Also called: Filaminopathy (type); FILAMINOPATHY, AUTOSOMAL DOMINANT. Identifiers: Orphanet 171445, MedGen C1836050, MONDO:0012289, OMIM 609524.
Distal myopathy with posterior leg and anterior hand involvement. Also called: WILLIAMS DISTAL MYOPATHY. Identifiers: Orphanet 63273, MedGen C3279722, MONDO:0013550, OMIM 614065.
Hypertrophic cardiomyopathy 26. Also called: Cardiomyopathy, familial hypertrophic, 26. Identifiers: Orphanet 75249, MedGen C4310749, MONDO:0014883, OMIM 617047.

Allele frequency attached by ClinVar (database versions not stated): gnomAD exomes below 0.00001; gnomAD 0.00001.
gnomAD v4.1: 4 of 1,614,044 alleles (0.00025%); highest among the groups gnomAD compares: Non-Finnish European, 0.00025%; no homozygotes.

Submissions (2):

Ambry Genetics
Classification: Uncertain significance for Cardiovascular phenotype. Last evaluated: 2025-09-17. Review status: criteria provided, single submitter. Criteria: Ambry Variant Classification Scheme 2023. Collection method: clinical testing. Allele origin: germline.
Comment: The p.V250I variant (also known as c.748G>A), located in coding exon 4 of the FLNC gene, results from a G to A substitution at nucleotide position 748. The valine at codon 250 is replaced by isoleucine, an amino acid with highly similar properties. This amino acid position is conserved. In addition, this alteration is predicted to be tolerated by in silico analysis. Based on the available evidence, the clinical significance of this variant remains unclear.

Labcorp Genetics (formerly Invitae), Labcorp
Classification: Uncertain significance for Distal myopathy with posterior leg and anterior hand involvement; Myofibrillar myopathy 5; Hypertrophic cardiomyopathy 26. Last evaluated: 2020-06-18. Review status: criteria provided, single submitter. Criteria: Invitae Variant Classification Sherloc (09022015). Collection method: clinical testing. Allele origin: germline.
Comment: In summary, the available evidence is currently insufficient to determine the role of this variant in disease. Therefore, it has been classified as a Variant of Uncertain Significance. Algorithms developed to predict the effect of missense changes on protein structure and function are either unavailable or do not agree on the potential impact of this missense change (SIFT: "Deleterious"; PolyPhen-2: "Probably Damaging"; Align-GVGD: "Class C0"). This variant has not been reported in the literature in individuals with FLNC-related conditions. This variant is not present in population databases (ExAC no frequency). This sequence change replaces valine with isoleucine at codon 250 of the FLNC protein (p.Val250Ile). The valine residue is highly conserved and there is a small physicochemical difference between valine and isoleucine.

NM_001458.5(FLNC):c.748G>A (p.Val250Ile)

Gene: FLNC (filamin C; plus strand). Cytogenetic location: 7q32.1.
Variant type: single nucleotide variant.
Coding change: c.748G>A on transcript NM_001458.5 (MANE Select); coding-DNA position 748, G replaced by A.
Protein change: p.Val250Ile; replaces valine 250 with isoleucine.
Molecular consequence: missense variant.
Genome position (GRCh38, 1-based): chr7:128,837,446, G>A. VCF-style: chr7-128837446-G-A. GRCh37 (hg19) VCF-style: chr7-128477500-G-A.
Other names: c.748G>A, p.Val250Ile (NM_001127487.2); c.748G>A (NM_001458.4); short protein forms V250I.
Identifiers: ClinVar variation 1000755 (VCV001000755.10), dbSNP rs1562991895, ClinGen allele CA369222139.
Genomic context (GRCh38, chr7:128,837,446, plus strand): 5'-TTTCCATCGCAGGTCATTGCCCCTGAGGAGATTGTGGACCCCAACGTGGATGAGCATTCT[G>A]TTATGACCTACCTGTCCCAGTTCCCCAAGGCCAAGCTCAAACCTGGTGCCCCTGTTCGAT-3'
Protein context (NP_001449.3, residues 240-260): IVDPNVDEHS[Val250Ile]MTYLSQFPKA